The following is an entry in ClinVar:

NC_000017.11:g.41765066_41765068dup

Gene: JUP (junction plakoglobin; minus strand). Cytogenetic location: 17q21.2.
Variant type: Duplication.
Genome position: GRCh38 VCF-style: chr17-41765064-T-TCAG. GRCh37 (hg19) VCF-style: chr17-39921316-T-TCAG.
Identifiers: ClinVar variation 576264 (VCV000576264.8), dbSNP rs1567812900, ClinGen allele CA891844009.

ClinVar aggregate classification (germline): Uncertain significance (1 of 4 stars; one submission).

Conditions:
Arrhythmogenic right ventricular dysplasia 12. Also called: ARRHYTHMOGENIC RIGHT VENTRICULAR DYSPLASIA, FAMILIAL, 12. Identifiers: MedGen C1969081, MONDO:0012684, OMIM 611528.
Naxos disease (NXD). Also called: CARDIOMYOPATHY, ARRHYTHMOGENIC RIGHT VENTRICULAR, WITH SKIN, HAIR, AND NAIL ABNORMALITIES; PALMOPLANTAR KERATODERMA WITH ARRHYTHMOGENIC RIGHT VENTRICULAR CARDIOMYOPATHY AND WOOLLY HAIR; WOOLLY HAIR, PALMOPLANTAR KERATODERMA, AND CARDIAC ABNORMALITIES; KERATOSIS PALMOPLANTARIS WITH ARRHYTHMOGENIC CARDIOMYOPATHY; MAL DE NAXOS. Identifiers: Orphanet 34217, MedGen C1832600, MONDO:0011017, OMIM 601214.

Submission:

Labcorp Genetics (formerly Invitae), Labcorp
Classification: Uncertain significance for Arrhythmogenic right ventricular dysplasia 12; Naxos disease. Last evaluated: 2020-09-09. Review status: criteria provided, single submitter. Criteria: Invitae Variant Classification Sherloc (09022015). Collection method: clinical testing. Allele origin: germline.
Comment: In summary, the available evidence is currently insufficient to determine the role of this variant in disease. Therefore, it has been classified as a Variant of Uncertain Significance. Experimental studies and prediction algorithms are not available for this variant, and the functional significance of the duplicated amino acid is currently unknown. This variant has not been reported in the literature in individuals with JUP-related disease. This variant is not present in population databases (ExAC no frequency). This variant, c.910_912dupCTG, results in the insertion of 1 amino acid to the JUP protein (p.Leu304dup), but otherwise preserves the integrity of the reading frame.